The following is an entry in ClinVar:

NM_005359.6(SMAD4):c.753T>C (p.Asn251=)

Gene: SMAD4 (SMAD family member 4; plus strand). Cytogenetic location: 18q21.2.
Variant type: single nucleotide variant.
Coding change: c.753T>C on transcript NM_005359.6 (MANE Select); coding-DNA position 753, T replaced by C.
Protein change: p.Asn251=; no amino-acid change (asparagine 251 retained).
Molecular consequence: synonymous variant. On other transcripts: non-coding transcript variant (2).
Genome position (GRCh38, 1-based): chr18:51,058,210, T>C. VCF-style: chr18-51058210-T-C. GRCh37 (hg19) VCF-style: chr18-48584580-T-C.
Other names: c.753T>C, p.Asn251= (NM_001407041.1, NM_001407042.1, NM_001407043.1).
Identifiers: ClinVar variation 3903990 (VCV003903990.1).

ClinVar aggregate classification (germline): Benign (1 of 4 stars; one submission).

Conditions:
Juvenile polyposis/hereditary hemorrhagic telangiectasia syndrome (JPHT). Also called: JP/HHT SYNDROME; JUVENILE POLYPOSIS WITH HEREDITARY HEMORRHAGIC TELANGIECTASIA; POLYPOSIS, GENERALIZED JUVENILE, WITH PULMONARY ARTERIOVENOUS MALFORMATION; TELANGIECTASIA, HEREDITARY HEMORRHAGIC, WITH JUVENILE POLYPOSIS COLI; Juvenile Polyposis Syndrome / Hereditary Hemorrhagic Telangiectasia (JPS/HHT). Identifiers: Orphanet 2929, MedGen C1832942, MONDO:0008278, OMIM 175050.

Submission:

Myriad Genetics, Inc.
Classification: Benign for Juvenile polyposis/hereditary hemorrhagic telangiectasia syndrome. Last evaluated: 2025-03-19. Review status: criteria provided, single submitter. Criteria: Myriad Autosomal Dominant, Autosomal Recessive and X-Linked Classification Criteria (2023). Collection method: clinical testing. Allele origin: unknown.
Comment: This variant is considered benign. This variant is a silent/synonymous amino acid change and it is not expected to impact splicing.